The following is an entry in ClinVar:

ClinVar aggregate classification (germline): Uncertain significance (1 of 4 stars; one submission).

Submission:

GeneDx
Classification: Uncertain significance. Last evaluated: 2025-03-26. Review status: criteria provided, single submitter. Criteria: GeneDx Variant Classification Process June 2021. Collection method: clinical testing. Allele origin: germline. Affected: yes.
Comment: Not observed at significant frequency in large population cohorts (gnomAD); In silico analysis supports that this missense variant has a deleterious effect on protein structure/function; Has not been previously published as pathogenic or benign to our knowledge

NM_004247.4(EFTUD2):c.491A>T (p.Asp164Val)

Gene: EFTUD2 (elongation factor Tu GTP binding domain containing 2; minus strand). Cytogenetic location: 17q21.31.
Variant type: single nucleotide variant.
Coding change: c.491A>T on transcript NM_004247.4 (MANE Select); coding-DNA position 491, A replaced by T.
Protein change: p.Asp164Val; replaces aspartic acid 164 with valine.
Molecular consequence: missense variant.
Genome position (GRCh38, 1-based): chr17:44,883,094, T>A on the plus strand (A>T on the coding strand, the complement: EFTUD2 is on the minus strand). VCF-style: chr17-44883094-T-A. GRCh37 (hg19) VCF-style: chr17-42960462-T-A.
Other names: c.386A>T, p.Asp129Val (NM_001142605.2); c.491A>T, p.Asp164Val (NM_001258353.2); c.461A>T, p.Asp154Val (NM_001258354.2); short protein forms D129V, D154V, D164V.
Identifiers: ClinVar variation 4088041 (VCV004088041.1).
Genomic context (GRCh38, chr17:44,883,094, plus strand): 5'-AGACATCTCTATCTGTTCTGAATGGTTCATCCTAAACCCTCAACAGAAGTTCTACTTACA[T>A]CTTGGTCATAGCGCTTTCTGATTTCCGGGTGAGTCTGTTCAATTAAACAATCCACAAAAC-3'
Protein context (NP_004238.3, residues 154-174): HPEIRKRYDQ[Asp164Val]LCYTDILFTE